The following is an entry in ClinVar:

NM_001164508.2(NEB):c.6069G>A (p.Met2023Ile)

Gene: NEB (nebulin; minus strand). Cytogenetic location: 2q23.3.
Variant type: single nucleotide variant.
Coding change: c.6069G>A on transcript NM_001164508.2 (MANE Select); coding-DNA position 6069, G replaced by A.
Protein change: p.Met2023Ile; replaces methionine 2023 with isoleucine.
Molecular consequence: missense variant.
Genome position (GRCh38, 1-based): chr2:151,659,071, C>T on the plus strand (G>A on the coding strand, the complement: NEB is on the minus strand). VCF-style: chr2-151659071-C-T. GRCh37 (hg19) VCF-style: chr2-152515585-C-T.
Other names: c.6069G>A, p.Met2023Ile (NM_001164507.2, NM_001271208.2, NM_004543.5); short protein forms M2023I.
Identifiers: ClinVar variation 95133 (VCV000095133.50), dbSNP rs184262608, ClinGen allele CA148242.

ClinVar aggregate classification (germline): Benign/Likely benign. Review status: criteria provided, multiple submitters, no conflicts (2 of 4 stars). 12 submissions from 12 submitters: Benign (6); Likely benign (3). 3 of the submissions do not count toward it. Last evaluated 2026-09-01.

Conditions:
Nemaline myopathy 2 (NEM2). Also called: Nemaline myopathy 2, autosomal recessive. Identifiers: MedGen C1850569, MONDO:0009725, OMIM 256030.

Allele frequency attached by ClinVar (database versions not stated): gnomAD exomes 0.00642 and 0.00849; ExAC 0.00651; gnomAD 0.00656 and 0.00672; 1000 Genomes Project 30x 0.00156; 1000 Genomes Project 0.00180; TOPMed 0.00568; ESP Exome Variant Server 0.00729.
gnomAD v4.1: 13,185 of 1,596,242 alleles (0.83%); highest among the groups gnomAD compares: Non-Finnish European, 1%; 74 homozygotes.

Submissions (12):

CeGaT Center for Human Genetics Tuebingen
Classification: Benign. Last evaluated: 2026-09-01. Review status: criteria provided, single submitter. Criteria: CeGaT Center For Human Genetics Tuebingen Variant Classification Criteria Version 2. Collection method: clinical testing. Allele origin: germline. Affected: yes. Observed: 31 variant alleles.
Comment: NEB: BS1, BS2

Labcorp Genetics (formerly Invitae), Labcorp
Classification: Benign for Nemaline myopathy 2. Last evaluated: 2026-02-04. Review status: criteria provided, single submitter. Criteria: Invitae Variant Classification Sherloc (09022015). Collection method: clinical testing. Allele origin: germline.

Blueprint Genetics
Classification: Likely benign. Last evaluated: 2024-11-22. Review status: criteria provided, single submitter. Criteria: ACMG Guidelines, 2015. Collection method: clinical testing. Allele origin: germline.

Athena Diagnostics
Classification: Benign. Last evaluated: 2019-05-07. Review status: criteria provided, single submitter. Criteria: Athena Diagnostics Criteria. Collection method: clinical testing. Allele origin: germline.

Illumina Laboratory Services, Illumina
Classification: Likely benign for Nemaline myopathy 2. Last evaluated: 2018-01-13. Review status: criteria provided, single submitter. Criteria: ICSL Variant Classification Criteria 13 December 2019. Collection method: clinical testing. Allele origin: germline.
Comment: This variant was observed in the ICSL laboratory as part of a predisposition screen in an ostensibly healthy population. It had not been previously curated by ICSL or reported in the Human Gene Mutation Database (HGMD: prior to June 1st, 2018), and was therefore a candidate for classification through an automated scoring system. Utilizing variant allele frequency, disease prevalence and penetrance estimates, and inheritance mode, an automated score was calculated to assess if this variant is too frequent to cause the disease. Based on the score and internal cut-off values, a variant classified as likely benign is not then subjected to further curation. The score for this variant resulted in a classification of likely benign for this disease.

GeneDx
Classification: Benign. Last evaluated: 2016-08-03. Review status: criteria provided, single submitter. Criteria: GeneDx Variant Classification (06012015). Collection method: clinical testing. Allele origin: germline. Affected: yes.
Comment: This variant is considered likely benign or benign based on one or more of the following criteria: it is a conservative change, it occurs at a poorly conserved position in the protein, it is predicted to be benign by multiple in silico algorithms, and/or has population frequency not consistent with disease.

Eurofins Ntd Llc (ga)
Classification: Benign. Last evaluated: 2013-03-12. Review status: criteria provided, single submitter. Criteria: EGL Classification Definitions 2015. Collection method: clinical testing. Allele origin: germline. Observed: 2 variant alleles, 2 heterozygotes.

Breakthrough Genomics
Classification: Likely benign. Review status: criteria provided, single submitter. Criteria: ACMG Guidelines, 2015. Collection method: not provided. Allele origin: germline. Inheritance: Autosomal recessive inheritance. Affected: yes.

PreventionGenetics, part of Exact Sciences
Classification: Benign. Review status: criteria provided, single submitter. Criteria: ACMG Guidelines, 2015. Collection method: clinical testing. Allele origin: germline.

Natera, Inc.
Classification: Benign for Nemaline myopathy type 2. Last evaluated: 2020-09-16. Review status: no assertion criteria provided. Collection method: clinical testing. Allele origin: germline. Not counted in ClinVar's aggregate classification.

Genome Diagnostics Laboratory, University Medical Center Utrecht
Classification: Benign. Review status: no assertion criteria provided. Collection method: clinical testing. Allele origin: germline. Affected: yes. Study: VKGL Data-share Consensus. Not counted in ClinVar's aggregate classification.

Laboratory of Diagnostic Genome Analysis, Leiden University Medical Center (LUMC)
Classification: Likely benign. Review status: no assertion criteria provided. Collection method: clinical testing. Allele origin: germline. Affected: yes. Study: VKGL Data-share Consensus. Not counted in ClinVar's aggregate classification.

Literature cited by the submitters: PubMed 25205138 (cited by Athena Diagnostics).